The following is an entry in ClinVar:

NM_198904.4(GABRG2):c.1277dup (p.Cys427fs)

Gene: GABRG2 (gamma-aminobutyric acid type A receptor subunit gamma2; plus strand). Cytogenetic location: 5q34.
Variant type: Duplication.
Coding change: c.1277dup on transcript NM_198904.4 (MANE Select); coding-DNA position 1277, one base duplicated (T; older notation c.1277dupT).
Protein change: p.Cys427fs; shifts the reading frame from cysteine 427.
Molecular consequence: frameshift variant. On other transcripts: 3 prime UTR variant (1).
Genome position (GRCh38, 1-based): chr5:162,153,217, T duplicated; the last of 6 consecutive T bases (chr5:162,153,212-162,153,217); duplicating any one gives the same sequence. VCF-style (leftmost placement, unchanged base first): chr5-162153211-G-GT. GRCh37 (hg19) VCF-style: chr5-161580217-G-GT.
Other names: c.1253dup, p.Cys419fs (NM_000816.3); c.1268dup, p.Cys424fs (NM_001375339.1); c.*111dup (NM_001375340.1); c.1274dup, p.Cys426fs (NM_001375341.1); c.1250dup, p.Cys418fs (NM_001375342.1); c.1373dup, p.Cys459fs (NM_001375343.1); c.1316dup, p.Cys440fs (NM_001375344.1); c.1187dup, p.Cys397fs (NM_001375345.1); and 7 more; short protein forms C279fs, C287fs, C324fs, C397fs, C398fs, C405fs, C418fs, C419fs.
Identifiers: ClinVar variation 3056082 (VCV003056082.2), dbSNP rs1285618109, ClinGen allele CA1596382094.

ClinVar aggregate classification (germline): Likely pathogenic (0 of 4 stars; one submission).

Conditions:
GABRG2-related disorder. Also called: GABRG2-related condition.

Submission:

PreventionGenetics, part of Exact Sciences
Classification: Likely pathogenic for GABRG2-related condition. Last evaluated: 2024-01-12. Review status: no assertion criteria provided. Collection method: clinical testing. Allele origin: germline.
Comment: The GABRG2 c.1253dupT variant is predicted to result in a frameshift and premature protein termination (p.Cys419Leufs*4). To our knowledge, this variant has not been reported in the literature or in a large population database, indicating this variant is rare. Frameshift variants in GABRG2 are expected to be pathogenic. This variant is interpreted as likely pathogenic.